The following is an entry in ClinVar:

ClinVar aggregate classification (germline): Uncertain significance (1 of 4 stars; one submission).

Allele frequency attached by ClinVar (database versions not stated): gnomAD exomes below 0.00001.
gnomAD v4.1: 6 of 1,613,934 alleles (0.00037%); highest among the groups gnomAD compares: East Asian, 0.0022%; no homozygotes.

Submission:

Labcorp Genetics (formerly Invitae), Labcorp
Classification: Uncertain significance. Last evaluated: 2022-03-19. Review status: criteria provided, single submitter. Criteria: Invitae Variant Classification Sherloc (09022015). Collection method: clinical testing. Allele origin: germline.
Comment: In summary, the available evidence is currently insufficient to determine the role of this variant in disease. Therefore, it has been classified as a Variant of Uncertain Significance. This sequence change replaces arginine, which is basic and polar, with histidine, which is basic and polar, at codon 469 of the MCM3AP protein (p.Arg469His). This variant is not present in population databases (gnomAD no frequency). This variant has not been reported in the literature in individuals affected with MCM3AP-related conditions. Algorithms developed to predict the effect of missense changes on protein structure and function are either unavailable or do not agree on the potential impact of this missense change (SIFT: "Tolerated"; PolyPhen-2: "Probably Damaging"; Align-GVGD: "Class C0").

NM_003906.5(MCM3AP):c.1406G>A (p.Arg469His)

Gene: MCM3AP (minichromosome maintenance complex component 3 associated protein; minus strand). Cytogenetic location: 21q22.3.
Variant type: single nucleotide variant.
Coding change: c.1406G>A on transcript NM_003906.5 (MANE Select); coding-DNA position 1406, G replaced by A.
Protein change: p.Arg469His; replaces arginine 469 with histidine.
Molecular consequence: missense variant.
Genome position (GRCh38, 1-based): chr21:46,283,652, C>T on the plus strand (G>A on the coding strand, the complement: MCM3AP is on the minus strand). VCF-style: chr21-46283652-C-T. GRCh37 (hg19) VCF-style: chr21-47703566-C-T.
Other names: short protein forms R469H.
Identifiers: ClinVar variation 1932417 (VCV001932417.5), dbSNP rs1260034850, ClinGen allele CA410531231.